The following is an entry in ClinVar:

ClinVar aggregate classification (germline): Uncertain significance. Review status: criteria provided, multiple submitters, no conflicts (2 of 4 stars). 3 submissions from 3 submitters: Uncertain significance (3). Last evaluated 2025-12-10.

Conditions:
Hereditary cancer-predisposing syndrome. Also called: Neoplastic Syndromes, Hereditary; Hereditary Cancer Syndrome; Hereditary neoplastic syndrome; Tumor predisposition. Identifiers: Orphanet 140162, MedGen C0027672, MeSH D009386, MONDO:0015356.
Peutz-Jeghers syndrome (PJS). Also called: Peutz-Jeghers polyposis; Periorificial lentiginosis syndrome; POLYPOSIS, HAMARTOMATOUS INTESTINAL; POLYPS-AND-SPOTS SYNDROME. Identifiers: Orphanet 2869, MedGen C0031269, MeSH D010580, MONDO:0008280, OMIM 175200.

Allele frequency attached by ClinVar (database versions not stated): gnomAD exomes below 0.00001; 1000 Genomes Project 30x 0.00031.
gnomAD v4.1: 2 of 1,610,824 alleles (0.00012%); highest among the groups gnomAD compares: Non-Finnish European, 0.00017%; no homozygotes.

Submissions (3):

Ambry Genetics
Classification: Uncertain significance for Hereditary cancer-predisposing syndrome. Last evaluated: 2025-12-10. Review status: criteria provided, single submitter. Criteria: Ambry Variant Classification Scheme 2023. Collection method: clinical testing. Allele origin: germline.
Comment: The p.G233S variant (also known as c.697G>A), located in coding exon 5 of the STK11 gene, results from a G to A substitution at nucleotide position 697. The glycine at codon 233 is replaced by serine, an amino acid with similar properties. This amino acid position is highly conserved in available vertebrate species. In addition, this alteration is predicted to be deleterious by in silico analysis. Since supporting evidence is limited at this time, the clinical significance of this alteration remains unclear.

Labcorp Genetics (formerly Invitae), Labcorp
Classification: Uncertain significance for Peutz-Jeghers syndrome. Last evaluated: 2025-09-03. Review status: criteria provided, single submitter. Criteria: Invitae Variant Classification Sherloc (09022015). Collection method: clinical testing. Allele origin: germline.
Comment: This sequence change replaces glycine, which is neutral and non-polar, with serine, which is neutral and polar, at codon 233 of the STK11 protein (p.Gly233Ser). This variant is not present in population databases (gnomAD no frequency). This variant has not been reported in the literature in individuals affected with STK11-related conditions. ClinVar contains an entry for this variant (Variation ID: 141294). Invitae Evidence Modeling of protein sequence and biophysical properties (such as structural, functional, and spatial information, amino acid conservation, physicochemical variation, residue mobility, and thermodynamic stability) has been performed for this missense variant. However, the output from this modeling did not meet the statistical confidence thresholds required to predict the impact of this variant on STK11 protein function. In summary, the available evidence is currently insufficient to determine the role of this variant in disease. Therefore, it has been classified as a Variant of Uncertain Significance.

Genome-Nilou Lab
Classification: Uncertain significance for Peutz-Jeghers syndrome. Last evaluated: 2021-07-15. Review status: criteria provided, single submitter. Criteria: ACMG Guidelines, 2015. Collection method: clinical testing. Allele origin: germline. Affected: no.

NM_000455.5(STK11):c.697G>A (p.Gly233Ser)

Gene: STK11 (serine/threonine kinase 11; plus strand). Cytogenetic location: 19p13.3.
Variant type: single nucleotide variant.
Coding change: c.697G>A on transcript NM_000455.5 (MANE Select); coding-DNA position 697, G replaced by A.
Protein change: p.Gly233Ser; replaces glycine 233 with serine.
Molecular consequence: missense variant.
Genome position (GRCh38, 1-based): chr19:1,220,680, G>A. VCF-style: chr19-1220680-G-A. GRCh37 (hg19) VCF-style: chr19-1220679-G-A.
Other names: short protein forms G233S.
Identifiers: ClinVar variation 141294 (VCV000141294.19), dbSNP rs587781638, ClinGen allele CA023227.
Genomic context (GRCh38, chr19:1,220,680, plus strand): 5'-AGCCAGGGCTCCCCGGCTTTCCAGCCGCCCGAGATTGCCAACGGCCTGGACACCTTCTCC[G>A]GCTTCAAGGTGGACATCTGGTCGGCTGGGGTCACCCTGTAAGTGCCCCGCCCCCCCGGGC-3'
Protein context (NP_000446.1, residues 223-243): EIANGLDTFS[Gly233Ser]FKVDIWSAGV